The following is an entry in ClinVar:

NM_003900.5(SQSTM1):c.998GAG[1] (p.Gly334del)

Gene: SQSTM1 (sequestosome 1; plus strand). Cytogenetic location: 5q35.3.
Variant type: Microsatellite.
Coding change: c.998GAG[1] on transcript NM_003900.5 (MANE Select); one copy of the 3-base unit GAG starting at c.998; the reference has two copies in a row; one copy, 3 bases deleted.
Protein change: p.Gly334del; deletes glycine 334.
Molecular consequence: inframe deletion.
Genome position (GRCh38, 1-based): chr5:179,833,618-179,833,620, GAG deleted; deleting any 3 consecutive bases within chr5:179,833,613-179,833,620 gives the same sequence; the position shown is the placement nearest the transcript's 3' end. VCF-style (leftmost placement, unchanged base first): chr5-179833612-CAGG-C. GRCh37 (hg19) VCF-style: chr5-179260612-CAGG-C.
Other names: c.746GAG[1], p.Gly250del (NM_001142298.2, NM_001142299.2); c.1001_1003delGAG (NM_003900.4); short protein forms G250del, G334del.
Identifiers: ClinVar variation 1061099 (VCV001061099.10), dbSNP rs778047147, ClinGen allele CA3600777.

ClinVar aggregate classification (germline): Uncertain significance. Review status: criteria provided, multiple submitters, no conflicts (2 of 4 stars). 4 submissions from 4 submitters: Uncertain significance (3). 1 of the submissions does not count toward it. Last evaluated 2025-10-22.

Conditions:
Frontotemporal dementia and/or amyotrophic lateral sclerosis 1 (FTDALS1). Also called: Frontotemporal dementia with motor neuron disease 1; C9orf72 Frontotemporal Dementia and/or Amyotrophic Lateral Sclerosis. Identifiers: Orphanet 275872, MedGen C5779877, MONDO:0007105, OMIM 105550.
Paget disease of bone 2, early-onset (PDB2). Also called: Paget disease of bone 2. Identifiers: MedGen C4085251, MONDO:0011183, OMIM 602080.
SQSTM1-related disorder. Also called: SQSTM1-Related Disorders.

Submissions (4):

Labcorp Genetics (formerly Invitae), Labcorp
Classification: Uncertain significance for Paget disease of bone 2, early-onset; Frontotemporal dementia and/or amyotrophic lateral sclerosis 1. Last evaluated: 2025-10-22. Review status: criteria provided, single submitter. Criteria: Invitae Variant Classification Sherloc (09022015). Collection method: clinical testing. Allele origin: germline.
Comment: This variant, c.1001_1003del, results in the deletion of 1 amino acid(s) of the SQSTM1 protein (p.Gly334del), but otherwise preserves the integrity of the reading frame. This variant is present in population databases (rs778047147, gnomAD 0.01%). This variant has been observed in individual(s) with early onset Alzheimer disease or dementia (PMID: 25796131, 33973882). ClinVar contains an entry for this variant (Variation ID: 1061099). Experimental studies and prediction algorithms are not available or were not evaluated, and the functional significance of this variant is currently unknown. In summary, the available evidence is currently insufficient to determine the role of this variant in disease. Therefore, it has been classified as a Variant of Uncertain Significance.

GeneDx
Classification: Uncertain significance. Last evaluated: 2024-09-10. Review status: criteria provided, single submitter. Criteria: GeneDx Variant Classification Process June 2021. Collection method: clinical testing. Allele origin: germline. Affected: yes.
Comment: In-frame deletion of 1 amino acid in a non-repeat region; In silico analysis supports a deleterious effect on protein structure/function; This variant is associated with the following publications: (PMID: 24899140, 30842500, 33973882, 25796131)

Athena Diagnostics
Classification: Uncertain significance. Last evaluated: 2021-03-16. Review status: criteria provided, single submitter. Criteria: Athena Diagnostics criteria. Collection method: clinical testing. Allele origin: unknown.

PreventionGenetics, part of Exact Sciences
Classification: Uncertain significance for SQSTM1-related condition. Last evaluated: 2024-05-16. Review status: no assertion criteria provided. Collection method: clinical testing. Allele origin: germline. Not counted in ClinVar's aggregate classification.
Comment: The SQSTM1 c.1001_1003delGAG variant is predicted to result in an in-frame deletion (p.Gly334del). This variant was reported in an individual with early-onset Alzheimer disease (described as p.G250del, Li et al. 2021. PubMed ID: 33973882). This variant is reported in 0.012% of alleles in individuals of European (Non-Finnish) descent in gnomAD and is listed in ClinVar as uncertain. At this time, the clinical significance of this variant is uncertain due to the absence of conclusive functional and genetic evidence.

Literature cited by the submitters: PubMed 25796131 (cited by Labcorp Genetics (formerly Invitae), Labcorp and Athena Diagnostics); PubMed 33973882 (cited by Labcorp Genetics (formerly Invitae), Labcorp); PubMed 24899140 (cited by Athena Diagnostics).